The following is an entry in ClinVar:

NM_002485.5(NBN):c.26G>T (p.Gly9Val)

Gene: NBN (nibrin; minus strand). Cytogenetic location: 8q21.3.
Variant type: single nucleotide variant.
Coding change: c.26G>T on transcript NM_002485.5 (MANE Select); coding-DNA position 26, G replaced by T.
Protein change: p.Gly9Val; replaces glycine 9 with valine.
Molecular consequence: missense variant. On other transcripts: 5 prime UTR variant (1).
Genome position (GRCh38, 1-based): chr8:89,984,536, C>A on the plus strand (G>T on the coding strand, the complement: NBN is on the minus strand). VCF-style: chr8-89984536-C-A. GRCh37 (hg19) VCF-style: chr8-90996764-C-A.
Other names: c.-271G>T (NM_001024688.3); short protein forms G9V.
Identifiers: ClinVar variation 461553 (VCV000461553.6), dbSNP rs1554569664, ClinGen allele CA371664155.

ClinVar aggregate classification (germline): Uncertain significance (1 of 4 stars; one submission).

Conditions:
Microcephaly, normal intelligence and immunodeficiency (NBS). Also called: IMMUNODEFICIENCY, MICROCEPHALY, AND CHROMOSOMAL INSTABILITY; SEEMANOVA SYNDROME II; Nijmegen breakage syndrome; Microcephaly with normal intelligence immunodeficiency and lymphoreticular malignancies; Nonsyndromal microcephaly autosomal recessive with normal intelligence; Seemanova syndrome 2. Identifiers: Orphanet 647, MedGen C0398791, MONDO:0009623, OMIM 251260.

Submission:

Labcorp Genetics (formerly Invitae), Labcorp
Classification: Uncertain significance for Microcephaly, normal intelligence and immunodeficiency. Last evaluated: 2021-09-02. Review status: criteria provided, single submitter. Criteria: Invitae Variant Classification Sherloc (09022015). Collection method: clinical testing. Allele origin: germline.
Comment: This sequence change replaces glycine with valine at codon 9 of the NBN protein (p.Gly9Val). The glycine residue is weakly conserved and there is a moderate physicochemical difference between glycine and valine. This variant is not present in population databases (ExAC no frequency). This variant has not been reported in the literature in individuals affected with NBN-related conditions. Algorithms developed to predict the effect of missense changes on protein structure and function (SIFT, PolyPhen-2, Align-GVGD) all suggest that this variant is likely to be tolerated. In summary, the available evidence is currently insufficient to determine the role of this variant in disease. Therefore, it has been classified as a Variant of Uncertain Significance.